The following is an entry in ClinVar:

ClinVar aggregate classification (germline): Uncertain significance (0 of 4 stars; one submission).

Conditions:
ROS1-related disorder. Also called: ROS1-related condition.

Submission:

PreventionGenetics, part of Exact Sciences
Classification: Uncertain significance for ROS1-related condition. Last evaluated: 2024-07-30. Review status: no assertion criteria provided. Collection method: clinical testing. Allele origin: germline.
Comment: The ROS1 c.4013G>A variant is predicted to result in the amino acid substitution p.Gly1338Glu. To our knowledge, this variant has not been reported in the literature or in a large population database, indicating this variant is rare. At this time, the clinical significance of this variant is uncertain due to the absence of conclusive functional and genetic evidence.

NM_001378902.1(ROS1):c.3998G>A (p.Gly1333Glu)

Gene: ROS1 (ROS proto-oncogene 1, receptor tyrosine kinase; minus strand). Cytogenetic location: 6q22.1.
Variant type: single nucleotide variant.
Coding change: c.3998G>A on transcript NM_001378902.1 (MANE Select); coding-DNA position 3998, G replaced by A.
Protein change: p.Gly1333Glu; replaces glycine 1333 with glutamic acid.
Molecular consequence: missense variant.
Genome position (GRCh38, 1-based): chr6:117,356,757, C>T on the plus strand (G>A on the coding strand, the complement: ROS1 is on the minus strand). VCF-style: chr6-117356757-C-T. GRCh37 (hg19) VCF-style: chr6-117677920-C-T.
Other names: c.4001G>A, p.Gly1334Glu (NM_001378891.1); c.4013G>A, p.Gly1338Glu (NM_002944.3); short protein forms G1333E, G1334E, G1338E.
Identifiers: ClinVar variation 3346625 (VCV003346625.1).